The following is an entry in ClinVar:

NM_177550.4(SLC13A5):c.-84C>T

Gene: SLC13A5 (solute carrier family 13 member 5; minus strand). Cytogenetic location: 17p13.1.
Variant type: single nucleotide variant.
Coding change: c.-84C>T on transcript NM_177550.4; 84 bases upstream of the start codon, C replaced by T.
Genome position (GRCh38, 1-based): chr17:6,713,417, G>A on the plus strand (C>T on the coding strand, the complement: SLC13A5 is on the minus strand). VCF-style: chr17-6713417-G-A. GRCh37 (hg19) VCF-style: chr17-6616736-G-A.
Identifiers: ClinVar variation 677300 (VCV000677300.4), dbSNP rs115287213, ClinGen allele CA14480150.
Genomic context (GRCh38, chr17:6,713,417, plus strand): 5'-CGAGACGAGTGAGGGGCAGCTAGAGGCGCCGCGGGCTTAAGAAGGGGCCACAGTCCCCGG[G>A]GATTGGGGAGGGGGCGGTGACAACTCCGCCCCGCACGGGGGCGCCTCCCCGCGGCCCTGG-3'

ClinVar aggregate classification (germline): Likely benign. Review status: criteria provided, multiple submitters, no conflicts (2 of 4 stars). 2 submissions from 2 submitters: Likely benign (2). Last evaluated 2018-06-14.

Allele frequency attached by ClinVar (database versions not stated): TOPMed 0.02597; 1000 Genomes Project 30x 0.02514; 1000 Genomes Project 0.02476; gnomAD 0.02762 and 0.02787.

Submissions (2):

GeneDx
Classification: Likely benign. Last evaluated: 2018-06-14. Review status: criteria provided, single submitter. Criteria: GeneDx Variant Classification (06012015). Collection method: clinical testing. Allele origin: germline. Affected: yes.
Comment: This variant is considered likely benign or benign based on one or more of the following criteria: it is a conservative change, it occurs at a poorly conserved position in the protein, it is predicted to be benign by multiple in silico algorithms, and/or has population frequency not consistent with disease.

Breakthrough Genomics
Classification: Likely benign. Review status: criteria provided, single submitter. Criteria: ACMG Guidelines, 2015. Collection method: not provided. Allele origin: germline. Inheritance: Autosomal recessive inheritance. Affected: yes.